The following is an entry in ClinVar:

ClinVar aggregate classification (germline): Likely pathogenic (1 of 4 stars; one submission).

Conditions:
Beckwith-Wiedemann syndrome (BWS). Also called: Exomphalos macroglossia gigantism syndrome; EMG SYNDROME. Identifiers: Orphanet 116, MedGen C0004903, MONDO:0007534, OMIM 130650.

Submission:

Illumina Laboratory Services, Illumina
Classification: Likely pathogenic for Beckwith-Wiedemann syndrome. Last evaluated: 2021-06-03. Review status: criteria provided, single submitter. Criteria: ICSLVariantClassificationCriteria RUGD 01 April 2020. Collection method: clinical testing. Allele origin: unknown.
Comment: The CDKN1C c.322_325delCCCG p.(Pro108SerfsTer163) variant causes a shift in the protein reading frame that is predicted to result in premature termination of the protein. Loss of normal protein function through either protein truncation or nonsense-mediated mRNA decay is expected. To our knowledge, this variant has not been reported in the peer-reviewed literature. This variant is not observed in version 2.1.1 or version 3.1.2 of the Genome Aggregation Database. Based on the available evidence, the c.322_325delCCCG p.(Pro108SerfsTer163) variant is classified as likely pathogenic for Beckwith-Wiedemann syndrome.

NM_001122630.2(CDKN1C):c.289_292del (p.Pro97fs)

Gene: CDKN1C (cyclin dependent kinase inhibitor 1C; minus strand). Cytogenetic location: 11p15.4.
Variant type: Deletion.
Coding change: c.289_292del on transcript NM_001122630.2 (MANE Select); coding-DNA positions 289 to 292, 4 bases deleted (CCCG; older notation c.289_292delCCCG).
Protein change: p.Pro97fs; shifts the reading frame from proline 97.
Molecular consequence: frameshift variant. On other transcripts: intron variant (1).
Genome position (GRCh38, 1-based): chr11:2,885,165-2,885,168, CGGG deleted on the plus strand (CCCG on the coding strand, the reverse complement: CDKN1C is on the minus strand); deleting any 4 consecutive bases within chr11:2,885,165-2,885,169 gives the same sequence; the c. name uses the placement nearest the transcript's 3' end. VCF-style (leftmost placement, unchanged base first): chr11-2885164-ACGGG-A. GRCh37 (hg19) VCF-style: chr11-2906394-ACGGG-A.
Other names: c.322_325del, p.Pro108fs (NM_000076.2, NM_001362474.2); c.289_292del, p.Pro97fs (NM_001122631.2); c.255+34_255+37del (NM_001362475.2); short protein forms P108fs, P97fs.
Identifiers: ClinVar variation 3062133 (VCV003062133.1), dbSNP rs2494389104, ClinGen allele CA2740093585.